The following is an entry in ClinVar:

NM_133468.5(BMPER):c.-313G>C

Gene: BMPER (BMP binding endothelial regulator; plus strand). Cytogenetic location: 7p14.3.
Variant type: single nucleotide variant.
Coding change: c.-313G>C on transcript NM_133468.5; 313 bases upstream of the start codon, G replaced by C.
Molecular consequence: 5 prime UTR variant.
Genome position (GRCh38, 1-based): chr7:33,904,972, G>C. VCF-style: chr7-33904972-G-C. GRCh37 (hg19) VCF-style: chr7-33944584-G-C.
Identifiers: ClinVar variation 360085 (VCV000360085.7), dbSNP rs114417992, ClinGen allele CA10629146.

ClinVar aggregate classification (germline): Benign (1 of 4 stars; one submission).

Conditions:
Diaphanospondylodysostosis. Also called: VERTEBRAL OSSIFICATION, DEFECT IN, WITH NEPHROGENIC RESTS. Identifiers: Orphanet 66637, MedGen C1842691, MONDO:0011946, OMIM 608022.

Allele frequency attached by ClinVar (database versions not stated): TOPMed 0.05476; gnomAD exomes 0.01702; 1000 Genomes Project 30x 0.07995; 1000 Genomes Project 0.08047.
gnomAD v4.1: 7,935 of 153,590 alleles (5.2%); highest among the groups gnomAD compares: East Asian, 12%; 355 homozygotes.

Submission:

Illumina Laboratory Services, Illumina
Classification: Benign for Diaphanospondylodysostosis. Last evaluated: 2018-01-12. Review status: criteria provided, single submitter. Criteria: ICSL Variant Classification Criteria 13 December 2019. Collection method: clinical testing. Allele origin: germline.
Comment: This variant was observed in the ICSL laboratory as part of a predisposition screen in an ostensibly healthy population. It had not been previously curated by ICSL or reported in the Human Gene Mutation Database (HGMD: prior to June 1st, 2018), and was therefore a candidate for classification through an automated scoring system. Utilizing variant allele frequency, disease prevalence and penetrance estimates, and inheritance mode, an automated score was calculated to assess if this variant is too frequent to cause the disease. Based on the score and internal cut-off values, a variant classified as benign is not then subjected to further curation. The score for this variant resulted in a classification of benign for this disease.